The following is an entry in ClinVar:

ClinVar aggregate classification (germline): Uncertain significance (1 of 4 stars; one submission).

Conditions:
Werner syndrome (WRN). Identifiers: Orphanet 902, MedGen C0043119, MONDO:0010196, OMIM 277700.

Allele frequency attached by ClinVar (database versions not stated): ExAC 0.00001; TOPMed 0.00002.
gnomAD v4.1: 15 of 1,610,930 alleles (0.00093%); highest among the groups gnomAD compares: African/African-American, 0.0027%; no homozygotes.

Submission:

Labcorp Genetics (formerly Invitae), Labcorp
Classification: Uncertain significance for Werner syndrome. Last evaluated: 2025-05-27. Review status: criteria provided, single submitter. Criteria: Invitae Variant Classification Sherloc (09022015). Collection method: clinical testing. Allele origin: germline.
Comment: This sequence change replaces threonine, which is neutral and polar, with methionine, which is neutral and non-polar, at codon 434 of the WRN protein (p.Thr434Met). This variant is present in population databases (rs761035278, gnomAD 0.003%). This variant has not been reported in the literature in individuals affected with WRN-related conditions. ClinVar contains an entry for this variant (Variation ID: 404005). An algorithm developed to predict the effect of missense changes on protein structure and function outputs the following: PolyPhen-2: "Benign". The methionine amino acid residue is found in multiple mammalian species, which suggests that this missense change does not adversely affect protein function. In summary, the available evidence is currently insufficient to determine the role of this variant in disease. Therefore, it has been classified as a Variant of Uncertain Significance.

NM_000553.6(WRN):c.1301C>T (p.Thr434Met)

Gene: WRN (WRN RecQ like helicase; plus strand). Cytogenetic location: 8p12.
Variant type: single nucleotide variant.
Coding change: c.1301C>T on transcript NM_000553.6 (MANE Select); coding-DNA position 1301, C replaced by T.
Protein change: p.Thr434Met; replaces threonine 434 with methionine.
Molecular consequence: missense variant.
Genome position (GRCh38, 1-based): chr8:31,083,730, C>T. VCF-style: chr8-31083730-C-T. GRCh37 (hg19) VCF-style: chr8-30941246-C-T.
Other names: short protein forms T434M.
Identifiers: ClinVar variation 404005 (VCV000404005.6), dbSNP rs761035278, ClinGen allele CA4704306.